The following is an entry in ClinVar:

NM_018263.6(ASXL2):c.1382C>T (p.Ser461Leu)

Gene: ASXL2 (ASXL transcriptional regulator 2; minus strand). Cytogenetic location: 2p23.3.
Variant type: single nucleotide variant.
Coding change: c.1382C>T on transcript NM_018263.6 (MANE Select); coding-DNA position 1382, C replaced by T.
Protein change: p.Ser461Leu; replaces serine 461 with leucine.
Molecular consequence: missense variant.
Genome position (GRCh38, 1-based): chr2:25,750,174, G>A on the plus strand (C>T on the coding strand, the complement: ASXL2 is on the minus strand). VCF-style: chr2-25750174-G-A. GRCh37 (hg19) VCF-style: chr2-25973043-G-A.
Other names: c.1208C>T, p.Ser403Leu (NM_001369346.1); c.602C>T, p.Ser201Leu (NM_001369347.1); short protein forms S201L, S403L, S461L.
Identifiers: ClinVar variation 5020434 (VCV005020434.1).

ClinVar aggregate classification (germline): Uncertain significance (1 of 4 stars; one submission).

Submission:

Dasa
Classification: Uncertain significance. Last evaluated: 2026-06-05. Review status: criteria provided, single submitter. Criteria: DASA Assertion Criteria. Collection method: clinical testing. Allele origin: germline.
Comment: NM_018263.6(ASXL2):c.1382C>T (p.Ser461Leu) is a missense variant that results in the substitution of serine with leucine. This variant is rare in population databases. Computational prediction algorithms are consistent with a benign effect. The currently available literature and clinical evidence are not sufficient to establish a definitive association between this variant and the reported condition. Therefore, this variant is classified as a variant of uncertain significance.